The following is an entry in ClinVar:

ClinVar aggregate classification (germline): Uncertain significance. Review status: criteria provided, multiple submitters, no conflicts (2 of 4 stars). 2 submissions from 2 submitters: Uncertain significance (2). Last evaluated 2025-07-07.

Conditions:
Inborn genetic diseases. Identifiers: MedGen C0950123, MeSH D030342.

Allele frequency attached by ClinVar (database versions not stated): gnomAD 0.00001; gnomAD exomes 0.00001; ExAC 0.00002; TOPMed 0.00003.
gnomAD v4.1: 14 of 1,613,504 alleles (0.00087%); highest among the groups gnomAD compares: East Asian, 0.02%; 1 homozygote.

Submissions (2):

Labcorp Genetics (formerly Invitae), Labcorp
Classification: Uncertain significance. Last evaluated: 2025-07-07. Review status: criteria provided, single submitter. Criteria: Invitae Variant Classification Sherloc (09022015). Collection method: clinical testing. Allele origin: germline.
Comment: This sequence change replaces glycine, which is neutral and non-polar, with aspartic acid, which is acidic and polar, at codon 950 of the TRIM37 protein (p.Gly950Asp). This variant is present in population databases (rs774360780, gnomAD 0.05%). This variant has not been reported in the literature in individuals affected with TRIM37-related conditions. ClinVar contains an entry for this variant (Variation ID: 1900696). An algorithm developed to predict the effect of missense changes on protein structure and function outputs the following: PolyPhen-2: "Benign". The aspartic acid amino acid residue is found in multiple mammalian species, which suggests that this missense change does not adversely affect protein function. In summary, the available evidence is currently insufficient to determine the role of this variant in disease. Therefore, it has been classified as a Variant of Uncertain Significance.

Ambry Genetics
Classification: Uncertain significance for Inborn genetic diseases. Last evaluated: 2023-01-10. Review status: criteria provided, single submitter. Criteria: Ambry Variant Classification Scheme 2023. Collection method: clinical testing. Allele origin: germline.

NM_015294.6(TRIM37):c.2849G>A (p.Gly950Asp)

Gene: TRIM37 (tripartite motif containing 37; minus strand). Cytogenetic location: 17q22.
Variant type: single nucleotide variant.
Coding change: c.2849G>A on transcript NM_015294.6 (MANE Select); coding-DNA position 2849, G replaced by A.
Protein change: p.Gly950Asp; replaces glycine 950 with aspartic acid.
Molecular consequence: missense variant. On other transcripts: non-coding transcript variant (2).
Genome position (GRCh38, 1-based): chr17:58,999,423, C>T on the plus strand (G>A on the coding strand, the complement: TRIM37 is on the minus strand). VCF-style: chr17-58999423-C-T. GRCh37 (hg19) VCF-style: chr17-57076784-C-T.
Other names: c.2849G>A, p.Gly950Asp (NM_001005207.5); c.2747G>A, p.Gly916Asp (NM_001320987.3); c.2732G>A, p.Gly911Asp (NM_001320988.3, NM_001320989.3); c.2366G>A, p.Gly789Asp (NM_001320990.3); c.2774G>A, p.Gly925Asp (NM_001353082.2); c.2114G>A, p.Gly705Asp (NM_001353083.2); c.2876G>A, p.Gly959Asp (NM_001353084.2); c.2387G>A, p.Gly796Asp (NM_001353085.2); and 2 more; short protein forms G789D, G911D, G925D, G933D, G705D, G916D, G950D, G959D.
Identifiers: ClinVar variation 1900696 (VCV001900696.6), dbSNP rs774360780, ClinGen allele CA8677910.